The following is an entry in ClinVar:

NM_032575.3(GLIS2):c.1000C>A (p.Pro334Thr)

Gene: GLIS2 (GLIS family zinc finger 2; plus strand). Cytogenetic location: 16p13.3.
Variant type: single nucleotide variant.
Coding change: c.1000C>A on transcript NM_032575.3 (MANE Select); coding-DNA position 1000, C replaced by A.
Protein change: p.Pro334Thr; replaces proline 334 with threonine.
Molecular consequence: missense variant.
Genome position (GRCh38, 1-based): chr16:4,336,949, C>A. VCF-style: chr16-4336949-C-A. GRCh37 (hg19) VCF-style: chr16-4386950-C-A.
Other names: c.1000C>A, p.Pro334Thr (NM_001318918.2); short protein forms P334T.
Identifiers: ClinVar variation 1949168 (VCV001949168.5), dbSNP rs768415033, ClinGen allele CA277077755.

ClinVar aggregate classification (germline): Uncertain significance (1 of 4 stars; one submission).

Conditions:
Nephronophthisis. Also called: Juvenile Nephronophthisis. Identifiers: Orphanet 655, MedGen C0687120, MONDO:0019005, HP:0000090.

Submission:

Labcorp Genetics (formerly Invitae), Labcorp
Classification: Uncertain significance for Nephronophthisis. Last evaluated: 2022-06-19. Review status: criteria provided, single submitter. Criteria: Invitae Variant Classification Sherloc (09022015). Collection method: clinical testing. Allele origin: germline.
Comment: In summary, the available evidence is currently insufficient to determine the role of this variant in disease. Therefore, it has been classified as a Variant of Uncertain Significance. Algorithms developed to predict the effect of missense changes on protein structure and function are either unavailable or do not agree on the potential impact of this missense change (SIFT: "Tolerated"; PolyPhen-2: "Probably Damaging"; Align-GVGD: "Class C0"). This variant has not been reported in the literature in individuals affected with GLIS2-related conditions. This variant is present in population databases (no rsID available, gnomAD 0.007%). This sequence change replaces proline, which is neutral and non-polar, with threonine, which is neutral and polar, at codon 334 of the GLIS2 protein (p.Pro334Thr).